The following is an entry in ClinVar:

NM_052876.4(NACC1):c.487G>A (p.Val163Met)

Gene: NACC1 (nucleus accumbens associated 1; plus strand). Cytogenetic location: 19p13.13.
Variant type: single nucleotide variant.
Coding change: c.487G>A on transcript NM_052876.4 (MANE Select); coding-DNA position 487, G replaced by A.
Protein change: p.Val163Met; replaces valine 163 with methionine.
Molecular consequence: missense variant.
Genome position (GRCh38, 1-based): chr19:13,135,694, G>A. VCF-style: chr19-13135694-G-A. GRCh37 (hg19) VCF-style: chr19-13246508-G-A.
Other names: c.487G>A (NM_052876.2); short protein forms V163M.
Identifiers: ClinVar variation 1646432 (VCV001646432.10), dbSNP rs374752584, ClinGen allele CA9238282.

ClinVar aggregate classification (germline): Benign/Likely benign. Review status: criteria provided, multiple submitters, no conflicts (2 of 4 stars). 3 submissions from 3 submitters: Benign (1); Likely benign (2). Last evaluated 2026-01-19.

Conditions:
Inborn genetic diseases. Identifiers: MedGen C0950123, MeSH D030342.

Allele frequency attached by ClinVar (database versions not stated): gnomAD 0.00001; gnomAD exomes 0.00001 and 0.00006; TOPMed 0.00002; ExAC 0.00006; ESP Exome Variant Server 0.00008.
gnomAD v4.1: 13 of 1,552,896 alleles (0.00084%); highest among the groups gnomAD compares: Admixed American, 0.019%; no homozygotes.

Submissions (3):

Labcorp Genetics (formerly Invitae), Labcorp
Classification: Benign. Last evaluated: 2026-01-19. Review status: criteria provided, single submitter. Criteria: Invitae Variant Classification Sherloc (09022015). Collection method: clinical testing. Allele origin: germline.

Women's Health and Genetics/Laboratory Corporation of America, LabCorp
Classification: Likely benign. Last evaluated: 2025-10-20. Review status: criteria provided, single submitter. Criteria: LabCorp Variant Classification Summary - May 2015. Collection method: clinical testing. Allele origin: germline.
Comment: Variant summary: NACC1 c.487G>A (p.Val163Met) results in a conservative amino acid change in the encoded protein sequence. Algorithms developed to predict the effect of missense changes on protein structure and function are either unavailable or do not agree on the potential impact of this missense change. The variant allele was found at a frequency of 6.5e-05 in 154378 control chromosomes. To our knowledge, no occurrence of c.487G>A in individuals affected with NACC1-related conditions and no experimental evidence demonstrating its impact on protein function have been reported. ClinVar contains an entry for this variant (Variation ID: 1646432). Based on the evidence outlined above, the variant was classified as likely benign.

Ambry Genetics
Classification: Likely benign for Inborn genetic diseases. Last evaluated: 2025-04-24. Review status: criteria provided, single submitter. Criteria: Ambry Variant Classification Scheme 2023. Collection method: clinical testing. Allele origin: germline.